The following is an entry in ClinVar:

NM_020533.3(MCOLN1):c.724del (p.Leu242fs)

Gene: MCOLN1 (mucolipin TRP cation channel 1; plus strand). Cytogenetic location: 19p13.2.
Variant type: Deletion.
Coding change: c.724del on transcript NM_020533.3 (MANE Select); coding-DNA position 724, one base deleted (C; older notation c.724delC).
Protein change: p.Leu242fs; shifts the reading frame from leucine 242.
Molecular consequence: frameshift variant.
Genome position (GRCh38, 1-based): chr19:7,527,907, C deleted; the last of 2 consecutive C bases (chr19:7,527,906-7,527,907); deleting either gives the same sequence. VCF-style (leftmost placement, unchanged base first): chr19-7527905-AC-A. GRCh37 (hg19) VCF-style: chr19-7592791-AC-A.
Other names: short protein forms L242fs.
Identifiers: ClinVar variation 1072781 (VCV001072781.7), dbSNP rs2146023956, ClinGen allele CA2499225627.

ClinVar aggregate classification (germline): Pathogenic (1 of 4 stars; one submission).

Conditions:
Mucolipidosis type IV (ML4). Also called: ML IV. Identifiers: Orphanet 578, MedGen C0238286, MONDO:0009653, OMIM 252650.

Submission:

Labcorp Genetics (formerly Invitae), Labcorp
Classification: Pathogenic for Mucolipidosis type IV. Last evaluated: 2020-09-08. Review status: criteria provided, single submitter. Criteria: Invitae Variant Classification Sherloc (09022015). Collection method: clinical testing. Allele origin: germline.
Comment: For these reasons, this variant has been classified as Pathogenic. Loss-of-function variants in MCOLN1 are known to be pathogenic (PMID: 11030752, 11317355). This variant has not been reported in the literature in individuals with MCOLN1-related conditions. This variant is not present in population databases (ExAC no frequency). This sequence change creates a premature translational stop signal (p.Leu242Serfs*18) in the MCOLN1 gene. It is expected to result in an absent or disrupted protein product.

Literature cited by the submitters: PubMed 11030752; PubMed 11317355.